The following is an entry in ClinVar:

ClinVar aggregate classification (germline): Uncertain significance (1 of 4 stars; one submission).

Conditions:
GFI1B-related disorder. Also called: GFI1B-related condition.

Allele frequency attached by ClinVar (database versions not stated): ExAC 0.00004; 1000 Genomes Project 30x 0.00016; 1000 Genomes Project 0.00020.
gnomAD v4.1: 39 of 1,614,172 alleles (0.0024%); highest among the groups gnomAD compares: Middle Eastern, 0.033%; no homozygotes.

Submission:

PreventionGenetics, part of Exact Sciences
Classification: Uncertain significance for GFI1B-related condition. Last evaluated: 2022-11-18. Review status: criteria provided, single submitter. Criteria: ACMG Guidelines, 2015. Collection method: clinical testing. Allele origin: germline.
Comment: The GFI1B c.358C>T variant is predicted to result in the amino acid substitution p.Arg120Trp. To our knowledge, this variant has not been reported in the literature. This variant is reported in 0.023% of alleles in individuals of South Asian descent in gnomAD. At this time, the clinical significance of this variant is uncertain due to the absence of conclusive functional and genetic evidence.

NM_001377304.1(GFI1B):c.358C>T (p.Arg120Trp)

Gene: GFI1B (growth factor independent 1B transcriptional repressor; plus strand). Cytogenetic location: 9q34.13.
Variant type: single nucleotide variant.
Coding change: c.358C>T on transcript NM_001377304.1 (MANE Select); coding-DNA position 358, C replaced by T.
Protein change: p.Arg120Trp; replaces arginine 120 with tryptophan.
Molecular consequence: missense variant.
Genome position (GRCh38, 1-based): chr9:132,988,316, C>T. VCF-style: chr9-132988316-C-T. GRCh37 (hg19) VCF-style: chr9-135863703-C-T.
Other names: c.358C>T, p.Arg120Trp (NM_001135031.2, NM_001371908.1, NM_001377305.1 and 1 more transcripts); short protein forms R120W.
Identifiers: ClinVar variation 2629225 (VCV002629225.1), dbSNP rs533662277, ClinGen allele CA5301917.
Genomic context (GRCh38, chr9:132,988,316, plus strand): 5'-CCATTCTACAAGCCTAGCTTCTCCTGGGACACCTTGGCCACAACCTATGGCCACAGCTAC[C>T]GGCAGGCCCCCTCCACCATGCAGTCAGCCTTCCTGGAGCACTCCGTCAGCCTGTACGGCA-3'
Protein context (NP_001364233.1, residues 110-130): TLATTYGHSY[Arg120Trp]QAPSTMQSAF